The following is an entry in ClinVar:

NM_001165963.4(SCN1A):c.1964G>A (p.Gly655Asp)

Gene: SCN1A (sodium voltage-gated channel alpha subunit 1; minus strand). Cytogenetic location: 2q24.3.
Variant type: single nucleotide variant.
Coding change: c.1964G>A on transcript NM_001165963.4 (MANE Select); coding-DNA position 1964, G replaced by A.
Protein change: p.Gly655Asp; replaces glycine 655 with aspartic acid.
Molecular consequence: missense variant. On other transcripts: 5 prime UTR variant (1), non-coding transcript variant (1), intron variant (4).
Genome position (GRCh38, 1-based): chr2:166,043,748, C>T on the plus strand (G>A on the coding strand, the complement: SCN1A is on the minus strand). VCF-style: chr2-166043748-C-T. GRCh37 (hg19) VCF-style: chr2-166900258-C-T.
Other names: c.1964G>A, p.Gly655Asp (NM_001202435.3, NM_001353948.2, NM_001353949.2 and 4 more transcripts); c.1961G>A, p.Gly654Asp (NM_001353954.2, NM_001353955.2); c.-462G>A (NM_001353961.2); c.1959+5G>A (NM_001353958.2, NM_001353957.2, NM_001165964.3); c.1956+5G>A (NM_001353960.2); short protein forms G654D, G655D.
Identifiers: ClinVar variation 4689943 (VCV004689943.1).

ClinVar aggregate classification (germline): Uncertain significance (1 of 4 stars; one submission).

Submission:

GeneDx
Classification: Uncertain significance. Last evaluated: 2025-07-31. Review status: criteria provided, single submitter. Criteria: GeneDx Variant Classification Process June 2021. Collection method: clinical testing. Allele origin: germline. Affected: yes.
Comment: Not observed at significant frequency in large population cohorts (gnomAD); In silico analysis supports that this missense variant has a deleterious effect on protein structure/function; Has not been previously published as pathogenic or benign to our knowledge; This substitution is predicted to be within the cytoplasmic loop between the first and second homologous domains